The following is an entry in ClinVar:

NM_005751.5(AKAP9):c.1968dup (p.Asp657fs)

Gene: AKAP9 (A-kinase anchoring protein 9; plus strand). Cytogenetic location: 7q21.2.
Variant type: Duplication.
Coding change: c.1968dup on transcript NM_005751.5 (MANE Select); coding-DNA position 1968, one base duplicated (A; older notation c.1968dupA).
Protein change: p.Asp657fs; shifts the reading frame from aspartic acid 657.
Molecular consequence: frameshift variant.
Genome position (GRCh38, 1-based): chr7:92,001,885, A duplicated; the last of 3 consecutive A bases (chr7:92,001,883-92,001,885); duplicating any one gives the same sequence. VCF-style (leftmost placement, unchanged base first): chr7-92001882-T-TA. GRCh37 (hg19) VCF-style: chr7-91631196-T-TA.
Other names: c.1968dup, p.Asp657fs (NM_147185.3); c.1968dupA (NM_005751.4); short protein forms D657fs.
Identifiers: ClinVar variation 1783557 (VCV001783557.2), dbSNP rs1799224441, ClinGen allele CA1104419729.

ClinVar aggregate classification (germline): Uncertain significance (1 of 4 stars; one submission).

Conditions:
Cardiovascular phenotype. Identifiers: MedGen CN230736.

Submission:

Ambry Genetics
Classification: Uncertain significance for Cardiovascular phenotype. Last evaluated: 2021-06-21. Review status: criteria provided, single submitter. Criteria: Ambry Variant Classification Scheme 2023. Collection method: clinical testing. Allele origin: germline.
Comment: The c.1968dupA variant, located in coding exon 8 of the AKAP9 gene, results from a duplication of A at nucleotide position 1968, causing a translational frameshift with a predicted alternate stop codon (p.D657Rfs*2). This alteration is expected to result in premature protein truncation or nonsense-mediated mRNA decay. However, loss of function of AKAP9 has not been clearly established as a mechanism of disease. Since supporting evidence is limited at this time, the clinical significance of this alteration remains unclear.